The following is an entry in ClinVar:

NM_001458.5(FLNC):c.5407C>T (p.Arg1803Trp)

Genes: FLNC (filamin C; plus strand), FLNC-AS1 (FLNC antisense RNA 1; minus strand). Cytogenetic location: 7q32.1.
Variant type: single nucleotide variant.
Coding change: c.5407C>T on transcript NM_001458.5 (MANE Select); coding-DNA position 5407, C replaced by T.
Protein change: p.Arg1803Trp; replaces arginine 1803 with tryptophan.
Molecular consequence: missense variant.
Genome position (GRCh38, 1-based): chr7:128,850,811, C>T. VCF-style: chr7-128850811-C-T. GRCh37 (hg19) VCF-style: chr7-128490865-C-T.
Other names: c.5308C>T, p.Arg1770Trp (NM_001127487.2); short protein forms R1770W, R1803W.
Identifiers: ClinVar variation 1000145 (VCV001000145.12), dbSNP rs369457426, ClinGen allele CA369206578.
Genomic context (GRCh38, chr7:128,850,811, plus strand): 5'-AGGTTGCAGTGGGGGAAACCAGGGTCTCCACGTAACTGTGTCTGCCCTGCAGGAGAGGTG[C>T]GGATGCCCTCGGGGAAGACGGCACGGCCCAACATCACCGACAACAAGGACGGCACCATCA-3'
Protein context (NP_001449.3, residues 1793-1813): VQKGELTGEV[Arg1803Trp]MPSGKTARPN

ClinVar aggregate classification (germline): Conflicting classifications of pathogenicity. Review status: criteria provided, conflicting classifications (1 of 4 stars). 3 submissions from 3 submitters: Uncertain significance (2); Likely benign (1). Last evaluated 2026-09-18.

Conditions:
Hypertrophic cardiomyopathy 26. Also called: Cardiomyopathy, familial hypertrophic, 26. Identifiers: Orphanet 75249, MedGen C4310749, MONDO:0014883, OMIM 617047.
Distal myopathy with posterior leg and anterior hand involvement. Also called: WILLIAMS DISTAL MYOPATHY. Identifiers: Orphanet 63273, MedGen C3279722, MONDO:0013550, OMIM 614065.
Myofibrillar myopathy 5. Also called: Filaminopathy (type); FILAMINOPATHY, AUTOSOMAL DOMINANT. Identifiers: Orphanet 171445, MedGen C1836050, MONDO:0012289, OMIM 609524.
FLNC-related disorder. Also called: FLNC-related condition; FLNC-related disorders.
Cardiovascular phenotype. Identifiers: MedGen CN230736.

Allele frequency attached by ClinVar (database versions not stated): TOPMed 0.00001; gnomAD exomes 0.00002.
gnomAD v4.1: 28 of 1,613,548 alleles (0.0017%); highest among the groups gnomAD compares: African/African-American, 0.004%; no homozygotes.

Submissions (3):

PreventionGenetics, part of Exact Sciences
Classification: Uncertain significance for FLNC-related condition. Last evaluated: 2026-09-18. Review status: criteria provided, single submitter. Criteria: ACMG Guidelines, 2015. Collection method: clinical testing. Allele origin: germline.
Comment: The FLNC c.5407C>T variant is predicted to result in the amino acid substitution p.Arg1803Trp. To our knowledge, this variant has not been reported in the literature. This variant is reported in 0.0065% of alleles in individuals of African descent in gnomAD. At this time, the clinical significance of this variant is uncertain due to the absence of conclusive functional and genetic evidence.

Labcorp Genetics (formerly Invitae), Labcorp
Classification: Likely benign for Distal myopathy with posterior leg and anterior hand involvement; Myofibrillar myopathy 5; Hypertrophic cardiomyopathy 26. Last evaluated: 2025-04-01. Review status: criteria provided, single submitter. Criteria: Invitae Variant Classification Sherloc (09022015). Collection method: clinical testing. Allele origin: germline.

Ambry Genetics
Classification: Uncertain significance for Cardiovascular phenotype. Last evaluated: 2024-03-01. Review status: criteria provided, single submitter. Criteria: Ambry Variant Classification Scheme 2023. Collection method: clinical testing. Allele origin: germline.
Comment: The p.R1803W variant (also known as c.5407C>T), located in coding exon 33 of the FLNC gene, results from a C to T substitution at nucleotide position 5407. The arginine at codon 1803 is replaced by tryptophan, an amino acid with dissimilar properties. This amino acid position is conserved. In addition, the in silico prediction for this alteration is inconclusive. Since supporting evidence is limited at this time, the clinical significance of this alteration remains unclear.